The following is an entry in ClinVar:

ClinVar aggregate classification (germline): Uncertain significance (1 of 4 stars; one submission).

Submission:

Women's Health and Genetics/Laboratory Corporation of America, LabCorp
Classification: Uncertain significance. Last evaluated: 2024-04-08. Review status: criteria provided, single submitter. Criteria: LabCorp Variant Classification Summary - May 2015. Collection method: clinical testing. Allele origin: germline.
Comment: Variant summary: HIVEP2 c.2637G>C (p.Arg879Ser) results in a non-conservative amino acid change in the encoded protein sequence. Four of five in-silico tools predict a damaging effect of the variant on protein function. The variant was absent in 249588 control chromosomes (gnomAD). The available data on variant occurrences in the general population are insufficient to allow any conclusion about variant significance. To our knowledge, no occurrence of c.2637G>C in individuals affected with Intellectual Disability, Autosomal Dominant 43 and no experimental evidence demonstrating its impact on protein function have been reported. No submitters have cited clinical-significance assessments for this variant to ClinVar. Based on the evidence outlined above, the variant was classified as uncertain significance.

NM_006734.4(HIVEP2):c.2637G>C (p.Arg879Ser)

Gene: HIVEP2 (HIVEP zinc finger 2; minus strand). Cytogenetic location: 6q24.2.
Variant type: single nucleotide variant.
Coding change: c.2637G>C on transcript NM_006734.4 (MANE Select); coding-DNA position 2637, G replaced by C.
Protein change: p.Arg879Ser; replaces arginine 879 with serine.
Molecular consequence: missense variant.
Genome position (GRCh38, 1-based): chr6:142,772,102, C>G on the plus strand (G>C on the coding strand, the complement: HIVEP2 is on the minus strand). VCF-style: chr6-142772102-C-G. GRCh37 (hg19) VCF-style: chr6-143093239-C-G.
Other names: short protein forms R879S.
Identifiers: ClinVar variation 3251435 (VCV003251435.1), dbSNP rs765158820.
Genomic context (GRCh38, chr6:142,772,102, plus strand): 5'-TTTATCAGGCTCCTCGGTCACTCGAATCTCAGGAACCTGGATGTTGTGTTGCCGAACTAG[C>G]CTGGGCTGTGTGTGATAGGACTGCTGCTGCACCTGCTGAGATGGAGAGGGTTTCCCCCCA-3'
Protein context (NP_006725.3, residues 869-889): VQQQSYHTQP[Arg879Ser]LVRQHNIQVP